The following is an entry in ClinVar:

ClinVar aggregate classification (germline): Uncertain significance (1 of 4 stars; one submission).

Conditions:
DYRK1A-related intellectual disability syndrome (MRD7). Also called: DYRK1A Syndrome; Intellectual developmental disorder, autosomal dominant 7. Identifiers: Orphanet 464306, MedGen C5568143, MONDO:0013578, OMIM 614104.

gnomAD v4.1: 8 of 1,608,604 alleles (0.0005%); highest among the groups gnomAD compares: Admixed American, 0.0034%; no homozygotes.

Submission:

Labcorp Genetics (formerly Invitae), Labcorp
Classification: Uncertain significance for DYRK1A-related intellectual disability syndrome. Last evaluated: 2025-08-30. Review status: criteria provided, single submitter. Criteria: Invitae Variant Classification Sherloc (09022015). Collection method: clinical testing. Allele origin: germline.
Comment: This sequence change replaces arginine, which is basic and polar, with cysteine, which is neutral and slightly polar, at codon 158 of the DYRK1A protein (p.Arg158Cys). This variant is present in population databases (no rsID available, gnomAD 0.0009%). This variant has not been reported in the literature in individuals affected with DYRK1A-related conditions. Invitae Evidence Modeling of protein sequence and biophysical properties (such as structural, functional, and spatial information, amino acid conservation, physicochemical variation, residue mobility, and thermodynamic stability) indicates that this missense variant is expected to disrupt DYRK1A protein function with a positive predictive value of 80%. In summary, the available evidence is currently insufficient to determine the role of this variant in disease. Therefore, it has been classified as a Variant of Uncertain Significance.

NM_001347721.2(DYRK1A):c.445C>T (p.Arg149Cys)

Gene: DYRK1A (dual specificity tyrosine phosphorylation regulated kinase 1A; plus strand). Cytogenetic location: 21q22.13.
Variant type: single nucleotide variant.
Coding change: c.445C>T on transcript NM_001347721.2 (MANE Select); coding-DNA position 445, C replaced by T.
Protein change: p.Arg149Cys; replaces arginine 149 with cysteine.
Molecular consequence: missense variant.
Genome position (GRCh38, 1-based): chr21:37,480,782, C>T. VCF-style: chr21-37480782-C-T. GRCh37 (hg19) VCF-style: chr21-38853084-C-T.
Other names: c.445C>T, p.Arg149Cys (NM_001347722.2, NM_130436.2); c.358C>T, p.Arg120Cys (NM_001347723.2); c.472C>T, p.Arg158Cys (NM_001396.5, NM_101395.2, NM_130438.2); short protein forms R120C, R158C, R149C.
Identifiers: ClinVar variation 4768291 (VCV004768291.1).
Genomic context (GRCh38, chr21:37,480,782, plus strand): 5'-GATGGTTATGATGATGATAACTATGATTATATTGTAAAAAACGGAGAAAAGTGGATGGAT[C>T]GTTACGAAATTGACTCCTTGATAGGCAAAGGTTCCTTTGGACAGGTAATTTAATGGAAAA-3'
Protein context (NP_001334650.1, residues 139-159): IVKNGEKWMD[Arg149Cys]YEIDSLIGKG